The following is an entry in ClinVar:

ClinVar aggregate classification (germline): Conflicting classifications of pathogenicity. Review status: criteria provided, conflicting classifications (1 of 4 stars). 4 submissions from 4 submitters: Uncertain significance (2); Likely benign (1). 1 of the submissions does not count toward it. Last evaluated 2025-12-16.

Conditions:
Self-limited epilepsy with centrotemporal spikes. Also called: Rolandic epilepsy; Childhood epilepsy with centrotemporal spikes. Identifiers: Orphanet 1945, MedGen C0376532, MONDO:0007295.
EPILEPSY, CHILDHOOD ABSENCE, SUSCEPTIBILITY TO, 2 (ECA2). Identifiers: Orphanet 64280, MedGen C1843244, OMIM 607681.
Febrile seizures, familial, 8 (FEB8). Also called: CONVULSIONS, FAMILIAL FEBRILE, 8. Identifiers: Orphanet 36387, MedGen C1969810, MONDO:0011891, OMIM 607681.

Allele frequency attached by ClinVar (database versions not stated): ExAC 0.00003; gnomAD exomes 0.00003 and 0.00004; TOPMed 0.00003; gnomAD 0.00005.
gnomAD v4.1: 43 of 1,586,276 alleles (0.0027%); highest among the groups gnomAD compares: Non-Finnish European, 0.0037%; no homozygotes.

Submissions (4):

Labcorp Genetics (formerly Invitae), Labcorp
Classification: Uncertain significance for Febrile seizures, familial, 8; EPILEPSY, CHILDHOOD ABSENCE, SUSCEPTIBILITY TO, 2. Last evaluated: 2025-12-16. Review status: criteria provided, single submitter. Criteria: Invitae Variant Classification Sherloc (09022015). Collection method: clinical testing. Allele origin: germline.
Comment: This sequence change falls in intron 4 of the GABRG2 gene. It does not directly change the encoded amino acid sequence of the GABRG2 protein. It affects a nucleotide within the consensus splice site. This variant is present in population databases (rs750459631, gnomAD 0.009%). This variant has been observed in individual(s) with Rolandic epilepsy (PMID: 25726841, 29358611). ClinVar contains an entry for this variant (Variation ID: 205543). Variants that disrupt the consensus splice site are a relatively common cause of aberrant splicing (PMID: 17576681, 9536098). Algorithms developed to predict the effect of sequence changes on RNA splicing suggest that this variant may disrupt the consensus splice site. In summary, the available evidence is currently insufficient to determine the role of this variant in disease. Therefore, it has been classified as a Variant of Uncertain Significance.

CeGaT Center for Human Genetics Tuebingen
Classification: Likely benign. Last evaluated: 2024-06-01. Review status: criteria provided, single submitter. Criteria: CeGaT Center For Human Genetics Tuebingen Variant Classification Criteria Version 2. Collection method: clinical testing. Allele origin: germline. Affected: yes. Observed: 6 variant alleles.
Comment: GABRG2: BP4

GeneDx
Classification: Uncertain significance. Last evaluated: 2016-09-09. Review status: criteria provided, single submitter. Criteria: GeneDx Variant Classification (06012015). Collection method: clinical testing. Allele origin: germline. Affected: yes.
Comment: The c.549-3 T>G variant in the GABRG2 gene has not been reported previously as a pathogenic variant nor as a benign variant, to our knowledge. Several in-silico splice prediction models predict that c.549-3 T>G damages the natural acceptor site of intron 4 and leads to abnormal gene splicing. However, in the absence of RNA/functional studies, the actual effect of this sequence change in this individual is unknown. The c.549-3 T>G variant is not observed at a significant frequency in large population cohorts (Lek et al., 2016; 1000 Genomes Consortium et al., 2015; Exome Variant Server). We interpret c.549-3 T>G as a variant of uncertain significance.

Bioinformatics Core, Luxembourg Center for Systems Biomedicine
Classification: Pathogenic for Self-limited epilepsy with centrotemporal spikes. Last evaluated: 2017-01-01. Review status: no assertion criteria provided. Collection method: case-control. Allele origin: germline. Affected: yes. Study: EUROEPINOMICS COGIE. Not counted in ClinVar's aggregate classification.

Literature cited by the submitters: PubMed 25726841 (cited by Labcorp Genetics (formerly Invitae), Labcorp); PubMed 29358611 (cited by Labcorp Genetics (formerly Invitae), Labcorp and Bioinformatics Core, Luxembourg Center for Systems Biomedicine); PubMed 17576681 (cited by Labcorp Genetics (formerly Invitae), Labcorp); PubMed 9536098 (cited by Labcorp Genetics (formerly Invitae), Labcorp).

NM_198904.4(GABRG2):c.549-3T>G

Gene: GABRG2 (gamma-aminobutyric acid type A receptor subunit gamma2; plus strand). Cytogenetic location: 5q34.
Variant type: single nucleotide variant.
Coding change: c.549-3T>G on transcript NM_198904.4 (MANE Select); 3 bases into the intron before coding-DNA position 549, T replaced by G.
Molecular consequence: intron variant.
Genome position (GRCh38, 1-based): chr5:162,101,232, T>G. VCF-style: chr5-162101232-T-G. GRCh37 (hg19) VCF-style: chr5-161528238-T-G.
Other names: c.549-3T>G (NM_000816.3, NM_001375343.1, NM_001375344.1 and 4 more transcripts); c.264-3T>G (NM_001375349.1); c.129-3T>G (NM_001375350.1, NM_001375348.1); c.540-3T>G (NM_001375339.1); c.483-3T>G (NM_001375346.1, NM_001375345.1); c.462-3T>G (NM_001375347.1).
Identifiers: ClinVar variation 205543 (VCV000205543.50), dbSNP rs750459631, ClinGen allele CA314718.